The following is an entry in ClinVar:

ClinVar aggregate classification (germline): Uncertain significance (1 of 4 stars; one submission).

gnomAD v4.1: 1 of 1,530,956 alleles (0.000065%); no homozygotes.

Submission:

CeGaT Center for Human Genetics Tuebingen
Classification: Uncertain significance. Last evaluated: 2025-11-01. Review status: criteria provided, single submitter. Criteria: CeGaT Center For Human Genetics Tuebingen Variant Classification Criteria Version 2. Collection method: clinical testing. Allele origin: germline. Affected: yes. Observed: 1 variant allele.
Comment: C3orf52: PM2, BP4

NM_024616.3(C3orf52):c.*299T>C

Gene: C3orf52 (chromosome 3 open reading frame 52; plus strand). Cytogenetic location: 3q13.2.
Variant type: single nucleotide variant.
Coding change: c.*299T>C on transcript NM_024616.3 (MANE Select); 299 bases downstream of the stop codon, T replaced by C.
Molecular consequence: 3 prime UTR variant. On other transcripts: missense variant (1).
Genome position (GRCh38, 1-based): chr3:112,116,945, T>C. VCF-style: chr3-112116945-T-C. GRCh37 (hg19) VCF-style: chr3-111835792-T-C.
Other names: c.700T>C, p.Phe234Leu (NM_001171747.2); short protein forms F234L.
Identifiers: ClinVar variation 4534596 (VCV004534596.6).